The following is an entry in ClinVar:

NM_018263.6(ASXL2):c.1388C>G (p.Pro463Arg)

Gene: ASXL2 (ASXL transcriptional regulator 2; minus strand). Cytogenetic location: 2p23.3.
Variant type: single nucleotide variant.
Coding change: c.1388C>G on transcript NM_018263.6 (MANE Select); coding-DNA position 1388, C replaced by G.
Protein change: p.Pro463Arg; replaces proline 463 with arginine.
Molecular consequence: missense variant.
Genome position (GRCh38, 1-based): chr2:25,750,168, G>C on the plus strand (C>G on the coding strand, the complement: ASXL2 is on the minus strand). VCF-style: chr2-25750168-G-C. GRCh37 (hg19) VCF-style: chr2-25973037-G-C.
Other names: c.1214C>G, p.Pro405Arg (NM_001369346.1); c.608C>G, p.Pro203Arg (NM_001369347.1); short protein forms P463R, P203R, P405R.
Identifiers: ClinVar variation 724335 (VCV000724335.11), dbSNP rs184535083, ClinGen allele CA1557828.

ClinVar aggregate classification (germline): Likely benign. Review status: criteria provided, multiple submitters, no conflicts (2 of 4 stars). 3 submissions from 3 submitters: Likely benign (2). 1 of the submissions does not count toward it. Last evaluated 2025-07-31.

Conditions:
ASXL2-related disorder. Also called: ASXL2-related condition.
Inborn genetic diseases. Identifiers: MedGen C0950123, MeSH D030342.

Allele frequency attached by ClinVar (database versions not stated): gnomAD exomes 0.00015; ExAC 0.00022; 1000 Genomes Project 30x 0.00031; 1000 Genomes Project 0.00040; TOPMed 0.00085; ESP Exome Variant Server 0.00088; gnomAD 0.00092.
gnomAD v4.1: 191 of 1,613,954 alleles (0.012%); highest among the groups gnomAD compares: African/African-American, 0.23%; no homozygotes.

Submissions (3):

Labcorp Genetics (formerly Invitae), Labcorp
Classification: Likely benign. Last evaluated: 2025-07-31. Review status: criteria provided, single submitter. Criteria: Invitae Variant Classification Sherloc (09022015). Collection method: clinical testing. Allele origin: germline.

Ambry Genetics
Classification: Likely benign for Inborn genetic diseases. Last evaluated: 2025-02-20. Review status: criteria provided, single submitter. Criteria: Ambry Variant Classification Scheme 2023. Collection method: clinical testing. Allele origin: germline.

PreventionGenetics, part of Exact Sciences
Classification: Likely benign for ASXL2-related condition. Last evaluated: 2019-07-16. Review status: no assertion criteria provided. Collection method: clinical testing. Allele origin: germline. Not counted in ClinVar's aggregate classification.
Comment: This variant is classified as likely benign based on ACMG/AMP sequence variant interpretation guidelines (Richards et al. 2015 PMID: 25741868, with internal and published modifications).